The following is an entry in ClinVar:

ClinVar aggregate classification (germline): Likely pathogenic (1 of 4 stars; one submission).

Conditions:
Breast-ovarian cancer, familial, susceptibility to, 1 (BROVCA1). Also called: BRCA1 Hereditary Breast and Ovarian Cancer; OVARIAN CANCER, SUSCEPTIBILITY TO. Identifiers: Orphanet 145, MedGen C2676676, MONDO:0011450, OMIM 604370. Disease mechanism: loss of function.

Submission:

Department of Medical Genetics, Oslo University Hospital
Classification: Likely pathogenic for Breast-ovarian cancer, familial, susceptibility to, 1. Last evaluated: 2016-01-25. Review status: criteria provided, single submitter. Criteria: ACMG Guidelines, 2015. Collection method: clinical testing. Allele origin: germline. Affected: yes. Observed: 1 variant allele.
Comment: Heterozygous deletion of exon 10 (also known as exon 11)

Single allele

Genes: BRCA1 (BRCA1 DNA repair associated; minus strand), LOC126862571 (BRD4-independent group 4 enhancer GRCh37_chr17:41243136-41244335; plus strand). Cytogenetic location: 17q21.31.
Variant type: Deletion.
Identifiers: ClinVar variation 440448 (VCV000440448.1).